The following is an entry in ClinVar:

ClinVar aggregate classification (germline): Uncertain significance. Review status: criteria provided, multiple submitters, no conflicts (2 of 4 stars). 2 submissions from 2 submitters: Uncertain significance (2). Last evaluated 2025-08-01.

Conditions:
Inborn genetic diseases. Identifiers: MedGen C0950123, MeSH D030342.
Mosaic variegated aneuploidy syndrome 1 (MVA1). Also called: Warburton-Anyane-Yeboa syndrome. Identifiers: Orphanet 1052, MedGen C1850343, MONDO:0009759, OMIM 257300.

Submissions (2):

Ambry Genetics
Classification: Uncertain significance for Inborn genetic diseases. Last evaluated: 2025-08-01. Review status: criteria provided, single submitter. Criteria: Ambry Variant Classification Scheme 2023. Collection method: clinical testing. Allele origin: germline.
Comment: The p.R324G variant (also known as c.970C>G), located in coding exon 8 of the BUB1B gene, results from a C to G substitution at nucleotide position 970. The arginine at codon 324 is replaced by glycine, an amino acid with dissimilar properties. This amino acid position is conserved. In addition, this alteration is predicted to be tolerated by in silico analysis. Since supporting evidence is limited at this time, the clinical significance of this alteration remains unclear.

Labcorp Genetics (formerly Invitae), Labcorp
Classification: Uncertain significance for Mosaic variegated aneuploidy syndrome 1. Last evaluated: 2023-08-01. Review status: criteria provided, single submitter. Criteria: Invitae Variant Classification Sherloc (09022015). Collection method: clinical testing. Allele origin: germline.
Comment: In summary, the available evidence is currently insufficient to determine the role of this variant in disease. Therefore, it has been classified as a Variant of Uncertain Significance. An algorithm developed to predict the effect of missense changes on protein structure and function (PolyPhen-2) suggests that this variant is likely to be tolerated. ClinVar contains an entry for this variant (Variation ID: 1767935). This variant has not been reported in the literature in individuals affected with BUB1B-related conditions. This variant is present in population databases (rs748360387, gnomAD 0.0009%). This sequence change replaces arginine, which is basic and polar, with glycine, which is neutral and non-polar, at codon 324 of the BUB1B protein (p.Arg324Gly).

NM_001211.6(BUB1B):c.970C>G (p.Arg324Gly)

Gene: BUB1B (BUB1 mitotic checkpoint serine/threonine kinase B; plus strand). Cytogenetic location: 15q15.1.
Variant type: single nucleotide variant.
Coding change: c.970C>G on transcript NM_001211.6 (MANE Select); coding-DNA position 970, C replaced by G.
Protein change: p.Arg324Gly; replaces arginine 324 with glycine.
Molecular consequence: missense variant.
Genome position (GRCh38, 1-based): chr15:40,185,554, C>G. VCF-style: chr15-40185554-C-G. GRCh37 (hg19) VCF-style: chr15-40477755-C-G.
Other names: short protein forms R324G.
Identifiers: ClinVar variation 1767935 (VCV001767935.6), dbSNP rs748360387, ClinGen allele CA7475618.
Genomic context (GRCh38, chr15:40,185,554, plus strand): 5'-ATATGCTGTCTGAGAACATAAAACTATGGTAATTTTAGTTTTCTTCTTCATCTCCAGCCT[C>G]GTGGCAATACAGCTTCACTGATAGCTGTACCCGCTGTGCTTCCCAGTTTCACTCCATATG-3'
Protein context (NP_001202.5, residues 314-334): NTGRSLEHRP[Arg324Gly]GNTASLIAVP